The following is an entry in ClinVar:

NM_002485.5(NBN):c.-3C>T

Gene: NBN (nibrin; minus strand). Cytogenetic location: 8q21.3.
Variant type: single nucleotide variant.
Coding change: c.-3C>T on transcript NM_002485.5 (MANE Select); 3 bases upstream of the start codon, C replaced by T.
Molecular consequence: 5 prime UTR variant.
Genome position (GRCh38, 1-based): chr8:89,984,564, G>A on the plus strand (C>T on the coding strand, the complement: NBN is on the minus strand). VCF-style: chr8-89984564-G-A. GRCh37 (hg19) VCF-style: chr8-90996792-G-A.
Other names: c.-299C>T (NM_001024688.3).
Identifiers: ClinVar variation 824481 (VCV000824481.10), dbSNP rs1276313619, ClinGen allele CA583377193.

ClinVar aggregate classification (germline): Uncertain significance. Review status: criteria provided, multiple submitters, no conflicts (2 of 4 stars). 2 submissions from 2 submitters: Uncertain significance (2). Last evaluated 2022-08-11.

Conditions:
Microcephaly, normal intelligence and immunodeficiency (NBS). Also called: Nijmegen breakage syndrome; Microcephaly with normal intelligence immunodeficiency and lymphoreticular malignancies; Nonsyndromal microcephaly autosomal recessive with normal intelligence; Seemanova syndrome 2; Ataxia telangiectasia variant V1; BERLIN BREAKAGE SYNDROME. Identifiers: Orphanet 647, MedGen C0398791, MONDO:0009623, OMIM 251260.
Hereditary cancer-predisposing syndrome. Also called: Neoplastic Syndromes, Hereditary; Hereditary Cancer Syndrome; Hereditary neoplastic syndrome; Tumor predisposition. Identifiers: Orphanet 140162, MedGen C0027672, MeSH D009386, MONDO:0015356.

Allele frequency attached by ClinVar (database versions not stated): gnomAD exomes below 0.00001.

Submissions (2):

Ambry Genetics
Classification: Uncertain significance for Hereditary cancer-predisposing syndrome. Last evaluated: 2022-08-11. Review status: criteria provided, single submitter. Criteria: Ambry Variant Classification Scheme 2023. Collection method: clinical testing. Allele origin: germline.
Comment: The c.-3C>T variant is located in the 5' untranslated region (5&rsquo; UTR) of the NBN gene. This variant results from a C to T substitution 3 bases upstream from the first translated codon. This nucleotide position is well conserved in available vertebrate species. Since supporting evidence is limited at this time, the clinical significance of this alteration remains unclear.

Genome-Nilou Lab
Classification: Uncertain significance for Microcephaly, normal intelligence and immunodeficiency. Last evaluated: 2021-11-07. Review status: criteria provided, single submitter. Criteria: ACMG Guidelines, 2015. Collection method: clinical testing. Allele origin: germline. Affected: no.